The following is an entry in ClinVar:

ClinVar aggregate classification (germline): Uncertain significance. Review status: criteria provided, multiple submitters, no conflicts (2 of 4 stars). 2 submissions from 2 submitters: Uncertain significance (2). Last evaluated 2024-12-10.

Conditions:
Spastic paraplegia. Identifiers: MedGen C0037772, HP:0001258.

Allele frequency attached by ClinVar (database versions not stated): ExAC 0.00003; gnomAD exomes 0.00004; gnomAD 0.00011; TOPMed 0.00012; ESP Exome Variant Server 0.00023.
gnomAD v4.1: 42 of 1,613,272 alleles (0.0026%); highest among the groups gnomAD compares: African/African-American, 0.047%; no homozygotes.

Submissions (2):

Women's Health and Genetics/Laboratory Corporation of America, LabCorp
Classification: Uncertain significance. Last evaluated: 2024-12-10. Review status: criteria provided, single submitter. Criteria: LabCorp Variant Classification Summary - May 2015. Collection method: clinical testing. Allele origin: germline.
Comment: Variant summary: RTN2 c.385A>T (p.Thr129Ser) results in a conservative amino acid change in the encoded protein sequence. Five of five in-silico tools predict a benign effect of the variant on protein function. The variant allele was found at a frequency of 3.6e-05 in 250542 control chromosomes. The available data on variant occurrences in the general population are insufficient to allow any conclusion about variant significance. To our knowledge, no occurrence of c.385A>T in individuals affected with Spastic Paragplegia 12 and no experimental evidence demonstrating its impact on protein function have been reported. ClinVar contains an entry for this variant (Variation ID: 582175). Based on the evidence outlined above, the variant was classified as uncertain significance.

Labcorp Genetics (formerly Invitae), Labcorp
Classification: Uncertain significance for Spastic paraplegia. Last evaluated: 2022-08-31. Review status: criteria provided, single submitter. Criteria: Invitae Variant Classification Sherloc (09022015). Collection method: clinical testing. Allele origin: germline.
Comment: This sequence change replaces threonine, which is neutral and polar, with serine, which is neutral and polar, at codon 129 of the RTN2 protein (p.Thr129Ser). This variant is present in population databases (rs147152016, gnomAD 0.05%). This variant has not been reported in the literature in individuals affected with RTN2-related conditions. ClinVar contains an entry for this variant (Variation ID: 582175). Algorithms developed to predict the effect of missense changes on protein structure and function output the following: SIFT: "Tolerated"; PolyPhen-2: "Benign"; Align-GVGD: "Class C0". The serine amino acid residue is found in multiple mammalian species, which suggests that this missense change does not adversely affect protein function. In summary, the available evidence is currently insufficient to determine the role of this variant in disease. Therefore, it has been classified as a Variant of Uncertain Significance.

NM_005619.5(RTN2):c.385A>T (p.Thr129Ser)

Genes: OPA3-RTN2 (OPA3-RTN2 readthrough; minus strand), RTN2 (reticulon 2; minus strand). Cytogenetic location: 19q13.32.
Variant type: single nucleotide variant.
Coding change: c.385A>T on transcript NM_005619.5 (MANE Select); coding-DNA position 385, A replaced by T.
Protein change: p.Thr129Ser; replaces threonine 129 with serine.
Molecular consequence: missense variant.
Genome position (GRCh38, 1-based): chr19:45,494,700, T>A on the plus strand (A>T on the coding strand, the complement: RTN2 is on the minus strand). VCF-style: chr19-45494700-T-A. GRCh37 (hg19) VCF-style: chr19-45997958-T-A.
Other names: c.385A>T, p.Thr129Ser (NM_206900.3); short protein forms T129S.
Identifiers: ClinVar variation 582175 (VCV000582175.11), dbSNP rs147152016, ClinGen allele CA9516270.